The following is an entry in ClinVar:

ClinVar aggregate classification (germline): Uncertain significance. Review status: criteria provided, multiple submitters, no conflicts (2 of 4 stars). 2 submissions from 2 submitters: Uncertain significance (2). Last evaluated 2025-07-21.

Conditions:
Primary dilated cardiomyopathy (DCM). Also called: Dilated Cardiomyopathy. Identifiers: Orphanet 217604, MedGen C0007193, MeSH D002311, MONDO:0005021, HP:0001644. Inheritance: Various modes of inheritance.

gnomAD v4.1: 1 of 1,614,004 alleles (0.000062%); highest among the groups gnomAD compares: South Asian, 0.0011%; no homozygotes.

Submissions (2):

Labcorp Genetics (formerly Invitae), Labcorp
Classification: Uncertain significance for Primary dilated cardiomyopathy. Last evaluated: 2025-07-21. Review status: criteria provided, single submitter. Criteria: Invitae Variant Classification Sherloc (09022015). Collection method: clinical testing. Allele origin: germline.
Comment: This sequence change replaces threonine, which is neutral and polar, with alanine, which is neutral and non-polar, at codon 914 of the NEBL protein (p.Thr914Ala). This variant is present in population databases (no rsID available, gnomAD 0.003%). This variant has not been reported in the literature in individuals affected with NEBL-related conditions. ClinVar contains an entry for this variant (Variation ID: 3404031). An algorithm developed to predict the effect of missense changes on protein structure and function (PolyPhen-2) suggests that this variant is likely to be disruptive. In summary, the available evidence is currently insufficient to determine the role of this variant in disease. Therefore, it has been classified as a Variant of Uncertain Significance.

Ambry Genetics
Classification: Uncertain significance. Last evaluated: 2024-12-03. Review status: criteria provided, single submitter. Criteria: Ambry Variant Classification Scheme 2023. Collection method: clinical testing. Allele origin: germline.

NM_006393.3(NEBL):c.2740A>G (p.Thr914Ala)

Gene: NEBL (nebulette; minus strand). Cytogenetic location: 10p12.31.
Variant type: single nucleotide variant.
Coding change: c.2740A>G on transcript NM_006393.3 (MANE Select); coding-DNA position 2740, A replaced by G.
Protein change: p.Thr914Ala; replaces threonine 914 with alanine.
Molecular consequence: missense variant. On other transcripts: intron variant (9).
Genome position (GRCh38, 1-based): chr10:20,808,531, T>C on the plus strand (A>G on the coding strand, the complement: NEBL is on the minus strand). VCF-style: chr10-20808531-T-C. GRCh37 (hg19) VCF-style: chr10-21097460-T-C.
Other names: c.421+4238A>G (NM_001377326.1, NM_001377327.1, NM_001377328.1); c.529+4238A>G (NM_213569.2, NM_001173484.2); c.622+1275A>G (NM_001377322.1); c.472+4238A>G (NM_001377324.1); c.463+4238A>G (NM_001377325.1); c.481+4238A>G (NM_001377323.1); short protein forms T914A.
Identifiers: ClinVar variation 3404031 (VCV003404031.2).